The following is an entry in ClinVar:

ClinVar aggregate classification (germline): Conflicting classifications of pathogenicity. Review status: criteria provided, conflicting classifications (1 of 4 stars). 3 submissions from 3 submitters: Uncertain significance (1); Likely benign (2). Last evaluated 2025-03-03.

Conditions:
Cardiovascular phenotype. Identifiers: MedGen CN230736.

gnomAD v4.1: 1 of 1,614,088 alleles (0.000062%); no homozygotes.

Submissions (3):

Ambry Genetics
Classification: Likely benign for Cardiovascular phenotype. Last evaluated: 2025-03-03. Review status: criteria provided, single submitter. Criteria: Ambry Variant Classification Scheme 2023. Collection method: clinical testing. Allele origin: germline.

CeGaT Center for Human Genetics Tuebingen
Classification: Likely benign. Last evaluated: 2024-11-01. Review status: criteria provided, single submitter. Criteria: CeGaT Center For Human Genetics Tuebingen Variant Classification Criteria Version 2. Collection method: clinical testing. Allele origin: germline. Affected: yes. Observed: 1 variant allele.
Comment: CBL: BP4, BP7

Revvity Omics, Revvity
Classification: Uncertain significance. Last evaluated: 2019-04-01. Review status: criteria provided, single submitter. Criteria: ACMG Guidelines, 2015. Collection method: clinical testing. Allele origin: germline.

NM_005188.4(CBL):c.1470A>G (p.Gln490=)

Gene: CBL (Cbl proto-oncogene; plus strand). Cytogenetic location: 11q23.3.
Variant type: single nucleotide variant.
Coding change: c.1470A>G on transcript NM_005188.4 (MANE Select); coding-DNA position 1470, A replaced by G.
Protein change: p.Gln490=; no amino-acid change (glutamine 490 retained).
Molecular consequence: synonymous variant.
Genome position (GRCh38, 1-based): chr11:119,285,007, A>G. VCF-style: chr11-119285007-A-G. GRCh37 (hg19) VCF-style: chr11-119155717-A-G.
Other names: c.1470A>G (NM_005188.2).
Identifiers: ClinVar variation 2439777 (VCV002439777.18), dbSNP rs1949969576, ClinGen allele CA477374843.